The following is an entry in ClinVar:

NM_000258.3(MYL3):c.559+1G>C

Gene: MYL3 (myosin light chain 3; minus strand). Cytogenetic location: 3p21.31.
Variant type: single nucleotide variant.
Coding change: c.559+1G>C on transcript NM_000258.3 (MANE Select); the canonical splice donor site of the intron after coding-DNA position 559, G replaced by C.
Molecular consequence: splice donor variant.
Genome position (GRCh38, 1-based): chr3:46,858,383, C>G on the plus strand (G>C on the coding strand, the complement: MYL3 is on the minus strand). VCF-style: chr3-46858383-C-G. GRCh37 (hg19) VCF-style: chr3-46899873-C-G.
Other names: c.559+1G>C (NM_001406939.1, NM_001406938.1, NM_001406937.1); c.385+1G>C (NM_001406940.1); c.370+1G>C (NM_001406941.1).
Identifiers: ClinVar variation 4718208 (VCV004718208.1).

ClinVar aggregate classification (germline): Uncertain significance (1 of 4 stars; one submission).

Conditions:
Hypertrophic cardiomyopathy. Also called: HYPERTROPHIC MYOCARDIOPATHY. Identifiers: Orphanet 217569, MedGen C0007194, MeSH D002312, MONDO:0005045, HP:0001639.

Submission:

Labcorp Genetics (formerly Invitae), Labcorp
Classification: Uncertain significance for Hypertrophic cardiomyopathy. Last evaluated: 2025-04-23. Review status: criteria provided, single submitter. Criteria: Invitae Variant Classification Sherloc (09022015). Collection method: clinical testing. Allele origin: germline.
Comment: This sequence change falls in intron 5 of the MYL3 gene. It does not directly change the encoded amino acid sequence of the MYL3 protein. It affects a nucleotide within the consensus splice site. This variant is not present in population databases (gnomAD no frequency). This variant has not been reported in the literature in individuals affected with MYL3-related conditions. Variants that disrupt the consensus splice site are a relatively common cause of aberrant splicing (PMID: 17576681, 9536098). Algorithms developed to predict the effect of sequence changes on RNA splicing suggest that this variant may disrupt the consensus splice site. In summary, the available evidence is currently insufficient to determine the role of this variant in disease. Therefore, it has been classified as a Variant of Uncertain Significance.

Literature cited by the submitters: PubMed 17576681; PubMed 9536098.